The following is an entry in ClinVar:

NM_001166114.2(PNPLA6):c.3355G>C (p.Gly1119Arg)

Gene: PNPLA6 (patatin like domain 6, lysophospholipase; plus strand). Cytogenetic location: 19p13.2.
Variant type: single nucleotide variant.
Coding change: c.3355G>C on transcript NM_001166114.2 (MANE Select); coding-DNA position 3355, G replaced by C.
Protein change: p.Gly1119Arg; replaces glycine 1119 with arginine.
Molecular consequence: missense variant.
Genome position (GRCh38, 1-based): chr19:7,557,242, G>C. VCF-style: chr19-7557242-G-C. GRCh37 (hg19) VCF-style: chr19-7622128-G-C.
Other names: c.3385G>C, p.Gly1129Arg (NM_001166111.2); c.3160G>C, p.Gly1054Arg (NM_001166112.2); c.3241G>C, p.Gly1081Arg (NM_001166113.1, NM_006702.5); short protein forms G1081R, G1054R, G1119R, G1129R.
Identifiers: ClinVar variation 1496092 (VCV001496092.8), dbSNP rs773955314, ClinGen allele CA403133910.

ClinVar aggregate classification (germline): Likely pathogenic (1 of 4 stars; one submission).

Conditions:
Hereditary spastic paraplegia 39 (SPG39). Also called: Spastic Paraplegia Type 39 (SPG39); SPASTIC PARAPLEGIA 39, AUTOSOMAL RECESSIVE. Identifiers: Orphanet 139480, MedGen C2677586, MONDO:0012787, OMIM 612020.

gnomAD v4.1: 6 of 1,613,492 alleles (0.00037%); highest among the groups gnomAD compares: Non-Finnish European, 0.00051%; no homozygotes.

Submission:

Labcorp Genetics (formerly Invitae), Labcorp
Classification: Likely pathogenic for Hereditary spastic paraplegia 39. Last evaluated: 2020-10-30. Review status: criteria provided, single submitter. Criteria: Invitae Variant Classification Sherloc (09022015). Collection method: clinical testing. Allele origin: germline.
Comment: In summary, the currently available evidence indicates that the variant is pathogenic, but additional data are needed to prove that conclusively. Therefore, this variant has been classified as Likely Pathogenic. Experimental studies have shown that this variant affects PNPLA6 protein function (PMID: 25480986). This missense change has been observed in individual(s) with Oliver McFarlane syndrome and Boucher-Neuhäuser syndrome (PMID: 25574898, 25480986). This variant is also known as p.Gly1129Arg. This variant is not present in population databases (ExAC no frequency). This sequence change replaces glycine with arginine at codon 1081 of the PNPLA6 protein (p.Gly1081Arg). The glycine residue is highly conserved and there is a moderate physicochemical difference between glycine and arginine.

Literature cited by the submitters: PubMed 25480986; PubMed 25574898.